The following is an entry in ClinVar:

ClinVar aggregate classification (germline): Pathogenic (1 of 4 stars; one submission).

Submission:

New York Genome Center
Classification: Pathogenic. Last evaluated: 2024-10-17. Review status: criteria provided, single submitter. Criteria: NYGC Assertion Criteria 2020. Collection method: clinical testing. Allele origin: unknown. Observed: 1 variant allele.
Comment: This deletion encompasses 46 genes, including 35 protein coding genes, 12 of which are associated with disease in OMIM (SOX10, CACNG2, RAC2, KCTD17, LGALS2, IL2RB, CARD10, TRIOBP, TMPRSS6, CSF2RB, NCF4, IFT27). This exact ~1.5Mb deletion is absent from population databases (Database of Genomic Variation, gnomAD CNVs v4.1.0) suggesting it is not a common benign variant in the populations represented in those databases. Multiple overlapping pathogenic deletions have been reported in ClinVar encompassing the SOX10 [ClinVar IDs: 153362, 545010, 57632, 57630]. The exact ~1.5Mb deletion identified in this fetus is not reported in the literature to the best of our knowledge. Semiquantitative fluorescent multiplex polymerase chain reaction and fluorescent in situ hybridization revealed deletions ranging from 56Kb to 6.1Mb in size in individuals presented with WS2 and PCWH syndrome [PMID:17999358]. Given its absence in the parent tested, the report of overlapping deletions in the literature with WS2, WS4, and PCWH features, and its absence in population databases, the ~1.5Mb 22q12.3-q13.1 (NC_000022.11:g.36484474_37993904del) deletion is reported as Pathogenic.

GRCh38/hg38 22q12.3-13.1(chr22:36484474-37993904)x1

Genes: ANKRD54 (ankyrin repeat domain 54; minus strand), C1QTNF6 (C1q and TNF related 6; minus strand), C22orf23 (chromosome 22 open reading frame 23; minus strand), CACNG2 (calcium voltage-gated channel auxiliary subunit gamma 2; minus strand), CACNG2-DT (CACNG2 divergent transcript; plus strand) and 131 more. Cytogenetic location: 22q12.3-13.1.
Variant type: copy number loss.
Change: copy number 1 (one copy instead of two) of chr22:36,484,474-37,993,904 (1.51 Mb, GRCh38 coordinates, 1-based), cytogenetic band 22q12.3-13.1.
Identifiers: ClinVar variation 4888423 (VCV004888423.1).